The following is an entry in ClinVar:

NM_182916.3(TRNT1):c.638G>C (p.Gly213Ala)

Gene: TRNT1 (tRNA nucleotidyl transferase 1; plus strand). Cytogenetic location: 3p26.2.
Variant type: single nucleotide variant.
Coding change: c.638G>C on transcript NM_182916.3 (MANE Select); coding-DNA position 638, G replaced by C.
Protein change: p.Gly213Ala; replaces glycine 213 with alanine.
Molecular consequence: missense variant. On other transcripts: non-coding transcript variant (6).
Genome position (GRCh38, 1-based): chr3:3,146,459, G>C. VCF-style: chr3-3146459-G-C. GRCh37 (hg19) VCF-style: chr3-3188143-G-C.
Other names: c.638G>C, p.Gly213Ala (NM_001302946.2, NM_001367321.1, NM_001367322.1 and 1 more transcripts); c.638G>C (NM_182916.2); short protein forms G213A.
Identifiers: ClinVar variation 1006197 (VCV001006197.3), dbSNP rs745817126, ClinGen allele CA2228747.

ClinVar aggregate classification (germline): Uncertain significance. Review status: criteria provided, multiple submitters, no conflicts (2 of 4 stars). 2 submissions from 2 submitters: Uncertain significance (2). Last evaluated 2025-04-21.

Conditions:
Congenital sideroblastic anemia-B-cell immunodeficiency-periodic fever-developmental delay syndrome. Also called: Sideroblastic anemia with B-cell immunodeficiency, periodic fevers, and developmental delay. Identifiers: Orphanet 369861, MedGen C4015172, MONDO:0014487, OMIM 616084.
Inborn genetic diseases. Identifiers: MedGen C0950123, MeSH D030342.

Allele frequency attached by ClinVar (database versions not stated): gnomAD 0.00001; ExAC 0.00002; gnomAD exomes 0.00001; TOPMed 0.00001.
gnomAD v4.1: 45 of 1,613,170 alleles (0.0028%); highest among the groups gnomAD compares: Middle Eastern, 0.017%; 1 homozygote.

Submissions (2):

Ambry Genetics
Classification: Uncertain significance for Inborn genetic diseases. Last evaluated: 2025-04-21. Review status: criteria provided, single submitter. Criteria: Ambry Variant Classification Scheme 2023. Collection method: clinical testing. Allele origin: germline.

Labcorp Genetics (formerly Invitae), Labcorp
Classification: Uncertain significance for Congenital sideroblastic anemia-B-cell immunodeficiency-periodic fever-developmental delay syndrome. Last evaluated: 2022-08-15. Review status: criteria provided, single submitter. Criteria: Invitae Variant Classification Sherloc (09022015). Collection method: clinical testing. Allele origin: germline.
Comment: This sequence change replaces glycine, which is neutral and non-polar, with alanine, which is neutral and non-polar, at codon 213 of the TRNT1 protein (p.Gly213Ala). This variant is present in population databases (rs745817126, gnomAD 0.002%). This variant has not been reported in the literature in individuals affected with TRNT1-related conditions. ClinVar contains an entry for this variant (Variation ID: 1006197). Algorithms developed to predict the effect of missense changes on protein structure and function (SIFT, PolyPhen-2, Align-GVGD) all suggest that this variant is likely to be tolerated. In summary, the available evidence is currently insufficient to determine the role of this variant in disease. Therefore, it has been classified as a Variant of Uncertain Significance.